The following is an entry in ClinVar:

NM_172107.4(KCNQ2):c.817-11C>T

Gene: KCNQ2 (potassium voltage-gated channel subfamily Q member 2; minus strand). Cytogenetic location: 20q13.33.
Variant type: single nucleotide variant.
Coding change: c.817-11C>T on transcript NM_172107.4 (MANE Select); 11 bases into the intron before coding-DNA position 817, C replaced by T.
Molecular consequence: intron variant.
Genome position (GRCh38, 1-based): chr20:63,439,719, G>A on the plus strand (C>T on the coding strand, the complement: KCNQ2 is on the minus strand). VCF-style: chr20-63439719-G-A. GRCh37 (hg19) VCF-style: chr20-62071072-G-A.
Other names: c.817-11C>T (NM_004518.6, NM_172108.5, NM_172106.3 and 1 more transcripts).
Identifiers: ClinVar variation 382194 (VCV000382194.20), dbSNP rs555632610, ClinGen allele CA9958719.

ClinVar aggregate classification (germline): Likely benign. Review status: criteria provided, multiple submitters, no conflicts (2 of 4 stars). 4 submissions from 4 submitters: Likely benign (4). Last evaluated 2025-11-27.

Conditions:
Early-infantile DEE. Also called: Early infantile epileptic encephalopathy; Ohtahara syndrome; Early infantile epileptic encephalopathy with suppression bursts. Identifiers: Orphanet 1934, MedGen C0393706, MONDO:0800491.

Allele frequency attached by ClinVar (database versions not stated): gnomAD 0.00001; gnomAD exomes 0.00002 and 0.00005; TOPMed 0.00003; ExAC 0.00004; 1000 Genomes Project 30x 0.00016; 1000 Genomes Project 0.00020.
gnomAD v4.1: 31 of 1,590,498 alleles (0.0019%); highest among the groups gnomAD compares: Admixed American, 0.015%; no homozygotes.

Submissions (4):

Labcorp Genetics (formerly Invitae), Labcorp
Classification: Likely benign for Early-infantile DEE. Last evaluated: 2025-11-27. Review status: criteria provided, single submitter. Criteria: Invitae Variant Classification Sherloc (09022015). Collection method: clinical testing. Allele origin: germline.

CeGaT Center for Human Genetics Tuebingen
Classification: Likely benign. Last evaluated: 2025-08-01. Review status: criteria provided, single submitter. Criteria: CeGaT Center For Human Genetics Tuebingen Variant Classification Criteria Version 2. Collection method: clinical testing. Allele origin: germline. Affected: yes. Observed: 1 variant allele.
Comment: KCNQ2: BP4, BP7

Blueprint Genetics
Classification: Likely benign. Last evaluated: 2023-06-05. Review status: criteria provided, single submitter. Criteria: ACMG Guidelines, 2015. Collection method: clinical testing. Allele origin: germline.

GeneDx
Classification: Likely benign. Last evaluated: 2018-07-25. Review status: criteria provided, single submitter. Criteria: GeneDx Variant Classification Process June 2021. Collection method: clinical testing. Allele origin: germline. Affected: yes.